The following is an entry in ClinVar:

ClinVar aggregate classification (germline): Uncertain significance. Review status: criteria provided, multiple submitters, no conflicts (2 of 4 stars). 2 submissions from 2 submitters: Uncertain significance (2). Last evaluated 2024-02-24.

Conditions:
Donnai-Barrow syndrome. Also called: DBS/FOAR SYNDROME; FACIOOCULOACOUSTICORENAL SYNDROME. Identifiers: Orphanet 2143, MedGen C1857277, MONDO:0009104, OMIM 222448.

Allele frequency attached by ClinVar (database versions not stated): gnomAD exomes below 0.00001; TOPMed below 0.00001.
gnomAD v4.1: 2 of 1,613,994 alleles (0.00012%); highest among the groups gnomAD compares: Admixed American, 0.0033%; no homozygotes.

Submissions (2):

Labcorp Genetics (formerly Invitae), Labcorp
Classification: Uncertain significance. Last evaluated: 2024-02-24. Review status: criteria provided, single submitter. Criteria: Invitae Variant Classification Sherloc (09022015). Collection method: clinical testing. Allele origin: germline.
Comment: This sequence change replaces threonine, which is neutral and polar, with isoleucine, which is neutral and non-polar, at codon 4478 of the LRP2 protein (p.Thr4478Ile). This variant is present in population databases (no rsID available, gnomAD 0.003%). This variant has not been reported in the literature in individuals affected with LRP2-related conditions. ClinVar contains an entry for this variant (Variation ID: 1517418). Advanced modeling of protein sequence and biophysical properties (such as structural, functional, and spatial information, amino acid conservation, physicochemical variation, residue mobility, and thermodynamic stability) performed at Invitae indicates that this missense variant is not expected to disrupt LRP2 protein function with a negative predictive value of 95%. In summary, the available evidence is currently insufficient to determine the role of this variant in disease. Therefore, it has been classified as a Variant of Uncertain Significance.

Fulgent Genetics
Classification: Uncertain significance for Donnai-Barrow syndrome. Last evaluated: 2021-10-14. Review status: criteria provided, single submitter. Criteria: ACMG Guidelines, 2015. Collection method: clinical testing. Allele origin: unknown.

NM_004525.3(LRP2):c.13433C>T (p.Thr4478Ile)

Gene: LRP2 (LDL receptor related protein 2; minus strand). Cytogenetic location: 2q31.1.
Variant type: single nucleotide variant.
Coding change: c.13433C>T on transcript NM_004525.3 (MANE Select); coding-DNA position 13433, C replaced by T.
Protein change: p.Thr4478Ile; replaces threonine 4478 with isoleucine.
Molecular consequence: missense variant.
Genome position (GRCh38, 1-based): chr2:169,138,662, G>A on the plus strand (C>T on the coding strand, the complement: LRP2 is on the minus strand). VCF-style: chr2-169138662-G-A. GRCh37 (hg19) VCF-style: chr2-169995172-G-A.
Other names: short protein forms T4478I.
Identifiers: ClinVar variation 1517418 (VCV001517418.7), dbSNP rs1462115520, ClinGen allele CA349155086.